The following is an entry in ClinVar:

ClinVar aggregate classification (germline): Uncertain significance (1 of 4 stars; one submission).

Conditions:
Gastrointestinal stromal tumor. Also called: Gastrointestinal stromal tumor, somatic; Gastrointestinal stroma tumor. Identifiers: Orphanet 44890, MedGen C0238198, MeSH D046152, MONDO:0011719, OMIM 606764, HP:0100723.

Submission:

Labcorp Genetics (formerly Invitae), Labcorp
Classification: Uncertain significance for Gastrointestinal stromal tumor. Last evaluated: 2019-11-05. Review status: criteria provided, single submitter. Criteria: Invitae Variant Classification Sherloc (09022015). Collection method: clinical testing. Allele origin: germline.
Comment: This variant has not been reported in the literature in individuals with PDGFRA-related conditions. This variant is not present in population databases (ExAC no frequency). This sequence change replaces glycine with arginine at codon 51 of the PDGFRA protein (p.Gly51Arg). The glycine residue is highly conserved and there is a moderate physicochemical difference between glycine and arginine. Algorithms developed to predict the effect of missense changes on protein structure and function are either unavailable or do not agree on the potential impact of this missense change (SIFT: "Deleterious"; PolyPhen-2: "Probably Damaging"; Align-GVGD: "Class C0"). In summary, the available evidence is currently insufficient to determine the role of this variant in disease. Therefore, it has been classified as a Variant of Uncertain Significance.

NM_006206.6(PDGFRA):c.151G>C (p.Gly51Arg)

Gene: PDGFRA (platelet derived growth factor receptor alpha; plus strand). Cytogenetic location: 4q12.
Variant type: single nucleotide variant.
Coding change: c.151G>C on transcript NM_006206.6 (MANE Select); coding-DNA position 151, G replaced by C.
Protein change: p.Gly51Arg; replaces glycine 51 with arginine.
Molecular consequence: missense variant.
Genome position (GRCh38, 1-based): chr4:54,261,196, G>C. VCF-style: chr4-54261196-G-C. GRCh37 (hg19) VCF-style: chr4-55127363-G-C.
Other names: c.151G>C, p.Gly51Arg (NM_001347827.2, NM_001347829.2); c.226G>C, p.Gly76Arg (NM_001347828.2); c.190G>C, p.Gly64Arg (NM_001347830.2); short protein forms G51R, G64R, G76R.
Identifiers: ClinVar variation 851827 (VCV000851827.10), dbSNP rs1722684271, ClinGen allele CA356888356.